The following is an entry in ClinVar:

NM_000135.4(FANCA):c.2872del (p.Ala958fs)

Gene: FANCA (FA complementation group A; minus strand). Cytogenetic location: 16q24.3.
Variant type: Deletion.
Coding change: c.2872del on transcript NM_000135.4 (MANE Select); coding-DNA position 2872, one base deleted (G; older notation c.2872delG).
Protein change: p.Ala958fs; shifts the reading frame from alanine 958.
Molecular consequence: frameshift variant.
Genome position (GRCh38, 1-based): chr16:89,758,686, C deleted on the plus strand (G on the coding strand, the reverse complement: FANCA is on the minus strand); the first of 3 consecutive C bases (chr16:89,758,686-89,758,688); deleting any one gives the same sequence. VCF-style (leftmost placement, unchanged base first): chr16-89758685-GC-G. GRCh37 (hg19) VCF-style: chr16-89825093-GC-G.
Other names: c.2872del, p.Ala958fs (NM_001286167.3); short protein forms A958fs.
Identifiers: ClinVar variation 974150 (VCV000974150.1), dbSNP rs2038844082, ClinGen allele CA1139665041.

ClinVar aggregate classification (germline): Uncertain significance (0 of 4 stars; one submission).

Conditions:
Fanconi anemia complementation group A (FANCA). Also called: Fanconi anemia, group A; FANCA-Related Fanconi Anemia. Identifiers: Orphanet 84, MedGen C3469521, MONDO:0009215, OMIM 227650.

Submission:

Leiden Open Variation Database
Classification: Uncertain significance for Fanconi anemia complementation group A. Last evaluated: 2020-02-28. Review status: no assertion criteria provided. Collection method: curation. Allele origin: germline. Affected: yes.
Comment: Curator: Arleen D. Auerbach. Submitter to LOVD: Arleen D. Auerbach.